The following is an entry in ClinVar:

ClinVar aggregate classification (germline): Conflicting classifications of pathogenicity. Review status: criteria provided, conflicting classifications (1 of 4 stars). 5 submissions from 5 submitters: Uncertain significance (3); Likely benign (1). 1 of the submissions does not count toward it. Last evaluated 2024-06-19.

Conditions:
Hereditary cancer-predisposing syndrome. Also called: Hereditary Cancer Syndrome; Neoplastic Syndromes, Hereditary; Hereditary neoplastic syndrome; Tumor predisposition. Identifiers: Orphanet 140162, MedGen C0027672, MeSH D009386, MONDO:0015356.
Hereditary breast ovarian cancer syndrome. Also called: Hereditary breast and ovarian cancer syndrome (HBOC); Hereditary breast and ovarian cancer syndrome; Breast and ovarian cancer; Hereditary breast and/or ovarian cancer syndrome; BRCA1- and BRCA2-Associated Hereditary Breast and Ovarian Cancer; Hereditary breast and ovarian cancer. Identifiers: Orphanet 145, MedGen C0677776, MeSH D061325, MONDO:0003582. Disease mechanism: loss of function.
Breast-ovarian cancer, familial, susceptibility to, 2 (BROVCA2). Also called: BRCA2 Hereditary Breast and Ovarian Cancer. Identifiers: Orphanet 145, MedGen C2675520, MONDO:0012933, OMIM 612555. Disease mechanism: loss of function.

Allele frequency attached by ClinVar (database versions not stated): gnomAD exomes below 0.00001.
gnomAD v4.1: 2 of 1,607,530 alleles (0.00012%); highest among the groups gnomAD compares: Non-Finnish European, 0.00017%; no homozygotes.

Submissions (5):

Labcorp Genetics (formerly Invitae), Labcorp
Classification: Uncertain significance for Hereditary breast ovarian cancer syndrome. Last evaluated: 2024-06-19. Review status: criteria provided, single submitter. Criteria: Invitae Variant Classification Sherloc (09022015). Collection method: clinical testing. Allele origin: germline.
Comment: This sequence change replaces glycine, which is neutral and non-polar, with glutamic acid, which is acidic and polar, at codon 664 of the BRCA2 protein (p.Gly664Glu). This variant is not present in population databases (gnomAD no frequency). This missense change has been observed in individual(s) with a personal or family history of breast and/or ovarian cancer (PMID: 30254663). ClinVar contains an entry for this variant (Variation ID: 820475). Advanced modeling of protein sequence and biophysical properties (such as structural, functional, and spatial information, amino acid conservation, physicochemical variation, residue mobility, and thermodynamic stability) performed at Invitae indicates that this missense variant is not expected to disrupt BRCA2 protein function with a negative predictive value of 95%. In summary, the available evidence is currently insufficient to determine the role of this variant in disease. Therefore, it has been classified as a Variant of Uncertain Significance.

University of Washington Department of Laboratory Medicine, University of Washington
Classification: Likely benign for Hereditary cancer-predisposing syndrome. Last evaluated: 2023-03-23. Review status: criteria provided, single submitter. Criteria: Dines et al. (Genet Med. 2020). Collection method: curation. Allele origin: germline.
Comment: Missense variant in a coldspot region where missense variants are very unlikely to be pathogenic (PMID:31911673).

BRCA2 exon 11 coldspot. Reclassification based on statistical prior probability.

GeneDx
Classification: Uncertain significance. Last evaluated: 2021-10-25. Review status: criteria provided, single submitter. Criteria: GeneDx Variant Classification Process June 2021. Collection method: clinical testing. Allele origin: germline. Affected: yes.
Comment: Identified in an individual fulfilling criteria for BRCA1/2 testing (Zuntini et al., 2018); Not observed at significant frequency in large population cohorts (Lek et al., 2016); In silico analysis supports that this missense variant has a deleterious effect on protein structure/function; Also known as 2219G>A; This variant is associated with the following publications: (PMID: 30254663)

Ambry Genetics
Classification: Uncertain significance for Hereditary cancer-predisposing syndrome. Last evaluated: 2019-04-17. Review status: criteria provided, single submitter. Criteria: Ambry Variant Classification Scheme 2023. Collection method: clinical testing. Allele origin: germline.
Comment: The p.G664E variant (also known as c.1991G>A), located in coding exon 10 of the BRCA2 gene, results from a G to A substitution at nucleotide position 1991. The glycine at codon 664 is replaced by glutamic acid, an amino acid with similar properties. In one study, this alteration was identified in 1/1045 patients with breast and/or ovarian cancer who fulfilled established BRCA1/2 genetic testing criteria (Zuntini R et al. Front Genet, 2018 Sep;9:378). This amino acid position is not well conserved in available vertebrate species. In addition, the in silico prediction for this alteration is inconclusive. Since supporting evidence is limited at this time, the clinical significance of this alteration remains unclear.

Department of Medical and Surgical Sciences, University of Bologna
Classification: Likely benign for Breast-ovarian cancer, familial, susceptibility to, 2. Last evaluated: 2023-09-01. Review status: no assertion criteria provided. Collection method: clinical testing. Allele origin: germline. Affected: yes. Not counted in ClinVar's aggregate classification.
Comment: PM2(Supporting)+BP1(Strong) according to ACMG/AMP classification guidelines specified for BRCA1 & BRCA2 (Classification Criteria V1.0.0 2023-09-08) (PMID: 38160042)

Literature cited by the submitters: PubMed 30254663 (cited by Labcorp Genetics (formerly Invitae), Labcorp and Ambry Genetics).

NM_000059.4(BRCA2):c.1991G>A (p.Gly664Glu)

Gene: BRCA2 (BRCA2 DNA repair associated; plus strand). Cytogenetic location: 13q13.1.
Variant type: single nucleotide variant.
Coding change: c.1991G>A on transcript NM_000059.4 (MANE Select); coding-DNA position 1991, G replaced by A.
Protein change: p.Gly664Glu; replaces glycine 664 with glutamic acid.
Molecular consequence: missense variant.
Genome position (GRCh38, 1-based): chr13:32,336,346, G>A. VCF-style: chr13-32336346-G-A. GRCh37 (hg19) VCF-style: chr13-32910483-G-A.
Other names: short protein forms G664E.
Identifiers: ClinVar variation 820475 (VCV000820475.17), dbSNP rs1555282391, ClinGen allele CA387768652.